The following is an entry in ClinVar:

NM_006231.4(POLE):c.3275+7G>A

Gene: POLE (DNA polymerase epsilon, catalytic subunit; minus strand). Cytogenetic location: 12q24.33.
Variant type: single nucleotide variant.
Coding change: c.3275+7G>A on transcript NM_006231.4 (MANE Select); 7 bases into the intron after coding-DNA position 3275, G replaced by A.
Molecular consequence: intron variant.
Genome position (GRCh38, 1-based): chr12:132,659,288, C>T on the plus strand (G>A on the coding strand, the complement: POLE is on the minus strand). VCF-style: chr12-132659288-C-T. GRCh37 (hg19) VCF-style: chr12-133235874-C-T.
Other names: c.3275+7G>A (NM_006231.3).
Identifiers: ClinVar variation 1087783 (VCV001087783.11), dbSNP rs569035099, ClinGen allele CA246316093.

ClinVar aggregate classification (germline): Likely benign. Review status: criteria provided, single submitter (1 of 4 stars). 2 submissions from 2 submitters: Likely benign (1). 1 of the submissions does not count toward it. Last evaluated 2024-12-10.

Conditions:
POLE-related disorder. Also called: POLE-related condition; POLE-related disorders.

Allele frequency attached by ClinVar (database versions not stated): TOPMed below 0.00001.
gnomAD v4.1: 2 of 1,613,214 alleles (0.00012%); highest among the groups gnomAD compares: African/African-American, 0.0027%; no homozygotes.

Submissions (2):

Labcorp Genetics (formerly Invitae), Labcorp
Classification: Likely benign. Last evaluated: 2024-12-10. Review status: criteria provided, single submitter. Criteria: Invitae Variant Classification Sherloc (09022015). Collection method: clinical testing. Allele origin: germline.

PreventionGenetics, part of Exact Sciences
Classification: Likely benign for POLE-related condition. Last evaluated: 2023-06-16. Review status: no assertion criteria provided. Collection method: clinical testing. Allele origin: germline. Not counted in ClinVar's aggregate classification.
Comment: This variant is classified as likely benign based on ACMG/AMP sequence variant interpretation guidelines (Richards et al. 2015 PMID: 25741868, with internal and published modifications).